The following is an entry in ClinVar:

ClinVar aggregate classification (germline): Likely benign. Review status: criteria provided, multiple submitters, no conflicts (2 of 4 stars). 2 submissions from 2 submitters: Likely benign (2). Last evaluated 2024-08-06.

Conditions:
Juvenile polyposis syndrome (JPS). Identifiers: Orphanet 2929, MedGen C0345893, MONDO:0017380, OMIM 174900.

Allele frequency attached by ClinVar (database versions not stated): gnomAD exomes below 0.00001.
gnomAD v4.1: 2 of 1,613,194 alleles (0.00012%); highest among the groups gnomAD compares: Non-Finnish European, 0.00017%; no homozygotes.

Submissions (2):

Myriad Genetics, Inc.
Classification: Likely benign for Juvenile polyposis syndrome. Last evaluated: 2024-08-06. Review status: criteria provided, single submitter. Criteria: Myriad Autosomal Dominant, Autosomal Recessive and X-Linked Classification Criteria (2023). Collection method: clinical testing. Allele origin: unknown.
Comment: This variant is considered likely benign. This variant is intronic and is not expected to impact mRNA splicing.

Labcorp Genetics (formerly Invitae), Labcorp
Classification: Likely benign for Juvenile polyposis syndrome. Last evaluated: 2019-11-05. Review status: criteria provided, single submitter. Criteria: Invitae Variant Classification Sherloc (09022015). Collection method: clinical testing. Allele origin: germline.

NM_004329.3(BMPR1A):c.1166+8G>C

Gene: BMPR1A (bone morphogenetic protein receptor type 1A; plus strand). Cytogenetic location: 10q23.2.
Variant type: single nucleotide variant.
Coding change: c.1166+8G>C on transcript NM_004329.3 (MANE Select); 8 bases into the intron after coding-DNA position 1166, G replaced by C.
Molecular consequence: intron variant.
Genome position (GRCh38, 1-based): chr10:86,919,477, G>C. VCF-style: chr10-86919477-G-C. GRCh37 (hg19) VCF-style: chr10-88679234-G-C.
Identifiers: ClinVar variation 1152306 (VCV001152306.10), dbSNP rs2133594465, ClinGen allele CA2499220431.